The following is an entry in ClinVar:

ClinVar aggregate classification (germline): Pathogenic (1 of 4 stars; one submission).

Conditions:
Multiple endocrine neoplasia, type 1 (MEN1). Also called: MEN I; WERMER SYNDROME; Endocrine adenomatosis multiple; MEN 1; MEA I. Identifiers: Orphanet 652, MedGen C0025267, MeSH D018761, MONDO:0007540, OMIM 131100.

Submission:

Labcorp Genetics (formerly Invitae), Labcorp
Classification: Pathogenic for Multiple endocrine neoplasia, type 1. Last evaluated: 2021-08-12. Review status: criteria provided, single submitter. Criteria: Invitae Variant Classification Sherloc (09022015). Collection method: clinical testing. Allele origin: germline.
Comment: For these reasons, this variant has been classified as Pathogenic. Loss-of-function variants in MEN1 are known to be pathogenic (PMID: 12112656, 17853334). This variant has not been reported in the literature in individuals with MEN1-related conditions. This variant is not present in population databases (ExAC no frequency). This sequence change creates a premature translational stop signal (p.Cys354Alafs*15) in the MEN1 gene. It is expected to result in an absent or disrupted protein product.

Literature cited by the submitters: PubMed 12112656; PubMed 17853334.

NM_001370259.2(MEN1):c.1058_1059insTG (p.Cys354fs)

Gene: MEN1 (menin 1; minus strand). Cytogenetic location: 11q13.1.
Variant type: Insertion.
Coding change: c.1058_1059insTG on transcript NM_001370259.2 (MANE Select); coding-DNA positions 1058 to 1059, TG inserted.
Protein change: p.Cys354fs; shifts the reading frame from cysteine 354.
Molecular consequence: frameshift variant.
Genome position: GRCh38 VCF-style: chr11-64805761-G-GCA. GRCh37 (hg19) VCF-style: chr11-64573233-G-GCA.
Other names: c.1073_1074insTG, p.Cys359fs (NM_000244.4, NM_130800.3, NM_130801.3 and 3 more transcripts); c.1184_1185insTG, p.Cys396fs (NM_001370251.2); c.1058_1059insTG, p.Cys354fs (NM_001370260.2, NM_001370261.2, NM_130799.3); c.953_954insTG, p.Cys319fs (NM_001370262.2, NM_001370263.2); short protein forms C319fs, C354fs, C359fs, C396fs.
Identifiers: ClinVar variation 1070591 (VCV001070591.7), dbSNP rs2136111335, ClinGen allele CA2499221150.